The following is an entry in ClinVar:

NM_001005388.3(NFASC):c.1779C>T (p.Val593=)

Gene: NFASC (neurofascin; plus strand). Cytogenetic location: 1q32.1.
Variant type: single nucleotide variant.
Coding change: c.1779C>T on transcript NM_001005388.3 (MANE Select); coding-DNA position 1779, C replaced by T.
Protein change: p.Val593=; no amino-acid change (valine 593 retained).
Molecular consequence: synonymous variant. On other transcripts: non-coding transcript variant (1).
Genome position (GRCh38, 1-based): chr1:204,976,743, C>T. VCF-style: chr1-204976743-C-T. GRCh37 (hg19) VCF-style: chr1-204945871-C-T.
Other names: c.1779C>T, p.Val593= (NM_001005389.2, NM_001378329.1); c.1812C>T, p.Val604= (NM_001160331.2, NM_001160332.2, NM_001365986.1 and 3 more transcripts); c.1761C>T, p.Val587= (NM_001160333.2); c.1779C>T (NM_001005388.2).
Identifiers: ClinVar variation 1694544 (VCV001694544.32), dbSNP rs17415240, ClinGen allele CA1350064.
Genomic context (GRCh38, chr1:204,976,743, plus strand): 5'-AGACGACTCCCTGACCATCTTTGGGGTGGCAGAGCGGGACCAGGGCAGTTACACGTGTGT[C>T]GCCAGCACCGAGCTAGACCAAGACCTGGCCAAGGCCTACCTCACCGTGCTAGGTAACTGC-3'
Protein context (NP_001005388.2, residues 583-603): AERDQGSYTC[Val593=]ASTELDQDLA

ClinVar aggregate classification (germline): Benign. Review status: criteria provided, single submitter (1 of 4 stars). 2 submissions from 2 submitters: Benign (1). 1 of the submissions does not count toward it. Last evaluated 2026-08-01.

Conditions:
NFASC-related disorder. Also called: NFASC-related condition.

Allele frequency attached by ClinVar (database versions not stated): 1000 Genomes Project 0.00379; 1000 Genomes Project 30x 0.00422; TOPMed 0.00657; ESP Exome Variant Server 0.00738; ExAC 0.00793; gnomAD 0.00794 and 0.00814; gnomAD exomes 0.00811 and 0.01151.
gnomAD v4.1: 17,799 of 1,614,058 alleles (1.1%); highest among the groups gnomAD compares: Non-Finnish European, 1.3%; 134 homozygotes.

Submissions (2):

CeGaT Center for Human Genetics Tuebingen
Classification: Benign. Last evaluated: 2026-08-01. Review status: criteria provided, single submitter. Criteria: CeGaT Center For Human Genetics Tuebingen Variant Classification Criteria Version 2. Collection method: clinical testing. Allele origin: germline. Affected: yes. Observed: 19 variant alleles.
Comment: NFASC: BP4, BP7, BS1, BS2

PreventionGenetics, part of Exact Sciences
Classification: Benign for NFASC-related condition. Last evaluated: 2019-03-04. Review status: no assertion criteria provided. Collection method: clinical testing. Allele origin: germline. Not counted in ClinVar's aggregate classification.
Comment: This variant is classified as benign based on ACMG/AMP sequence variant interpretation guidelines (Richards et al. 2015 PMID: 25741868, with internal and published modifications).